The following is an entry in ClinVar:

ClinVar aggregate classification (germline): Uncertain significance (1 of 4 stars; one submission).

gnomAD v4.1: 1 of 1,614,030 alleles (0.000062%); highest among the groups gnomAD compares: Non-Finnish European, 0.000085%; no homozygotes.

Submission:

Labcorp Genetics (formerly Invitae), Labcorp
Classification: Uncertain significance. Last evaluated: 2024-07-08. Review status: criteria provided, single submitter. Criteria: Invitae Variant Classification Sherloc (09022015). Collection method: clinical testing. Allele origin: germline.
Comment: This sequence change replaces histidine, which is basic and polar, with arginine, which is basic and polar, at codon 297 of the ELMOD3 protein (p.His297Arg). This variant is not present in population databases (gnomAD no frequency). This variant has not been reported in the literature in individuals affected with ELMOD3-related conditions. Advanced modeling of protein sequence and biophysical properties (such as structural, functional, and spatial information, amino acid conservation, physicochemical variation, residue mobility, and thermodynamic stability) performed at Invitae indicates that this missense variant is not expected to disrupt ELMOD3 protein function with a negative predictive value of 80%. In summary, the available evidence is currently insufficient to determine the role of this variant in disease. Therefore, it has been classified as a Variant of Uncertain Significance.

NM_001135022.2(ELMOD3):c.890A>G (p.His297Arg)

Gene: ELMOD3 (ELMO domain containing 3; plus strand). Cytogenetic location: 2p11.2.
Variant type: single nucleotide variant.
Coding change: c.890A>G on transcript NM_001135022.2 (MANE Select); coding-DNA position 890, A replaced by G.
Protein change: p.His297Arg; replaces histidine 297 with arginine.
Molecular consequence: missense variant. On other transcripts: non-coding transcript variant (3).
Genome position (GRCh38, 1-based): chr2:85,390,212, A>G. VCF-style: chr2-85390212-A-G. GRCh37 (hg19) VCF-style: chr2-85617335-A-G.
Other names: c.890A>G, p.His297Arg (NM_001135021.2, NM_001135023.2, NM_001329791.2 and 3 more transcripts); short protein forms H297R.
Identifiers: ClinVar variation 3696736 (VCV003696736.2).